The following is an entry in ClinVar:

NM_006306.4(SMC1A):c.2452G>A (p.Gly818Ser)

Gene: SMC1A (structural maintenance of chromosomes 1A; minus strand). Cytogenetic location: Xp11.22.
Variant type: single nucleotide variant.
Coding change: c.2452G>A on transcript NM_006306.4 (MANE Select); coding-DNA position 2452, G replaced by A.
Protein change: p.Gly818Ser; replaces glycine 818 with serine.
Molecular consequence: missense variant.
Genome position (GRCh38, 1-based): chrX:53,399,699, C>T on the plus strand (G>A on the coding strand, the complement: SMC1A is on the minus strand). VCF-style: chrX-53399699-C-T. GRCh37 (hg19) VCF-style: chrX-53426621-C-T.
Other names: c.2386G>A, p.Gly796Ser (NM_001281463.1); short protein forms G796S, G818S.
Identifiers: ClinVar variation 1215338 (VCV001215338.4), dbSNP rs2146595526, ClinGen allele CA413250685.

ClinVar aggregate classification (germline): Uncertain significance. Review status: criteria provided, multiple submitters, no conflicts (2 of 4 stars). 2 submissions from 2 submitters: Uncertain significance (2). Last evaluated 2025-09-01.

Conditions:
Inborn genetic diseases. Identifiers: MedGen C0950123, MeSH D030342.

Submissions (2):

Ambry Genetics
Classification: Uncertain significance for Inborn genetic diseases. Last evaluated: 2025-09-01. Review status: criteria provided, single submitter. Criteria: Ambry Variant Classification Scheme 2023. Collection method: clinical testing. Allele origin: germline.

GeneDx
Classification: Uncertain significance. Last evaluated: 2019-11-20. Review status: criteria provided, single submitter. Criteria: GeneDx Variant Classification Process June 2021. Collection method: clinical testing. Allele origin: germline. Affected: yes.
Comment: Not observed in large population cohorts (Lek et al., 2016); The majority of missense variants in this gene are considered pathogenic (Stenson et al., 2014 ); In silico analysis, which includes protein predictors and evolutionary conservation, supports that this variant does not alter protein structure/function; Has not been previously published as pathogenic or benign to our knowledge